The following is an entry in ClinVar:

ClinVar aggregate classification (germline): Uncertain significance (1 of 4 stars; one submission).

gnomAD v4.1: 3 of 1,614,026 alleles (0.00019%); highest among the groups gnomAD compares: Non-Finnish European, 0.000085%; no homozygotes.

Submission:

Labcorp Genetics (formerly Invitae), Labcorp
Classification: Uncertain significance. Last evaluated: 2021-10-14. Review status: criteria provided, single submitter. Criteria: Invitae Variant Classification Sherloc (09022015). Collection method: clinical testing. Allele origin: germline.
Comment: This sequence change replaces proline with glutamine at codon 1427 of the PCDH15 protein (p.Pro1427Gln). The proline residue is moderately conserved and there is a moderate physicochemical difference between proline and glutamine. This variant is not present in population databases (ExAC no frequency). This variant has not been reported in the literature in individuals affected with PCDH15-related conditions. Algorithms developed to predict the effect of missense changes on protein structure and function are either unavailable or do not agree on the potential impact of this missense change (SIFT: "Deleterious"; PolyPhen-2: "Possibly Damaging"; Align-GVGD: "Class C0"). In summary, the available evidence is currently insufficient to determine the role of this variant in disease. Therefore, it has been classified as a Variant of Uncertain Significance.

NM_001384140.1(PCDH15):c.4280C>A (p.Pro1427Gln)

Gene: PCDH15 (protocadherin related 15; minus strand). Cytogenetic location: 10q21.1.
Variant type: single nucleotide variant.
Coding change: c.4280C>A on transcript NM_001384140.1 (MANE Select); coding-DNA position 4280, C replaced by A.
Protein change: p.Pro1427Gln; replaces proline 1427 with glutamine.
Molecular consequence: missense variant.
Genome position (GRCh38, 1-based): chr10:53,827,480, G>T on the plus strand (C>A on the coding strand, the complement: PCDH15 is on the minus strand). VCF-style: chr10-53827480-G-T. GRCh37 (hg19) VCF-style: chr10-55587240-G-T.
Other names: c.4295C>A, p.Pro1432Gln (NM_001142763.2, NM_001142771.2); c.4280C>A, p.Pro1427Gln (NM_001142764.2, NM_001142770.3, NM_001142772.2 and 3 more transcripts); c.4067C>A, p.Pro1356Gln (NM_001142765.2); c.4271C>A, p.Pro1424Gln (NM_001142766.2); c.4160C>A, p.Pro1387Gln (NM_001142767.2); c.4214C>A, p.Pro1405Gln (NM_001142768.2, NM_001354404.2); c.4316C>A, p.Pro1439Gln (NM_001142769.4); c.4205C>A, p.Pro1402Gln (NM_001142773.2); and 1 more; short protein forms P1402Q, P1424Q, P1432Q, P1439Q, P1387Q, P1427Q, P1434Q, P1356Q.
Identifiers: ClinVar variation 1490747 (VCV001490747.5), dbSNP rs1054476980, ClinGen allele CA376527718.